The following is an entry in ClinVar:

NM_001365999.1(SZT2):c.4949G>A (p.Arg1650Gln)

Gene: SZT2 (SZT2 subunit of KICSTOR complex; plus strand). Cytogenetic location: 1p34.2.
Variant type: single nucleotide variant.
Coding change: c.4949G>A on transcript NM_001365999.1 (MANE Select); coding-DNA position 4949, G replaced by A.
Protein change: p.Arg1650Gln; replaces arginine 1650 with glutamine.
Molecular consequence: missense variant.
Genome position (GRCh38, 1-based): chr1:43,431,297, G>A. VCF-style: chr1-43431297-G-A. GRCh37 (hg19) VCF-style: chr1-43896968-G-A.
Other names: c.4778G>A, p.Arg1593Gln (NM_015284.4); short protein forms R1593Q, R1650Q.
Identifiers: ClinVar variation 3769162 (VCV003769162.2).
Genomic context (GRCh38, chr1:43,431,297, plus strand): 5'-ACCTTTGACTTGTTCCCACCCTGTTCAGGTCAACATCTGAAAGCAGTGCTTCATTTCCAC[G>A]ATCCCCAGGGCAGCCATCATCTTTAAGGTCAGATGATGGCCTCGGGCCCCCACTGCCACC-3'
Protein context (NP_001352928.1, residues 1640-1660): STSESSASFP[Arg1650Gln]SPGQPSSLRS

ClinVar aggregate classification (germline): Uncertain significance (1 of 4 stars; one submission).

gnomAD v4.1: 6 of 1,612,358 alleles (0.00037%); highest among the groups gnomAD compares: African/African-American, 0.0013%; no homozygotes.

Submission:

Women's Health and Genetics/Laboratory Corporation of America, LabCorp
Classification: Uncertain significance. Last evaluated: 2025-01-13. Review status: criteria provided, single submitter. Criteria: LabCorp Variant Classification Summary - May 2015. Collection method: clinical testing. Allele origin: germline.
Comment: Variant summary: SZT2 c.4778G>A (p.Arg1593Gln) results in a conservative amino acid change in the encoded protein sequence. Three of five in-silico tools predict a damaging effect of the variant on protein function. The variant allele was found at a frequency of 4e-06 in 250022 control chromosomes. The available data on variant occurrences in the general population are insufficient to allow any conclusion about variant significance. To our knowledge, no occurrence of c.4778G>A in individuals affected with Early Infantile Epileptic Encephalopathy 18 and no experimental evidence demonstrating its impact on protein function have been reported. No submitters have cited clinical-significance assessments for this variant to ClinVar. Based on the evidence outlined above, the variant was classified as uncertain significance.